The following is an entry in ClinVar:

NM_000214.3(JAG1):c.2113+2dup

Gene: JAG1 (jagged canonical Notch ligand 1; minus strand). Cytogenetic location: 20p12.2.
Variant type: Duplication.
Coding change: c.2113+2dup on transcript NM_000214.3 (MANE Select); the canonical splice donor site of the intron after coding-DNA position 2113, one base duplicated (T; older notation c.2113+2dupT).
Molecular consequence: splice donor variant.
Genome position (GRCh38, 1-based): chr20:10,645,354, A duplicated on the plus strand (T on the coding strand, the reverse complement: JAG1 is on the minus strand). VCF-style (leftmost placement, unchanged base first): chr20-10645353-T-TA. GRCh37 (hg19) VCF-style: chr20-10626001-T-TA.
Identifiers: ClinVar variation 4744259 (VCV004744259.1).

ClinVar aggregate classification (germline): Uncertain significance (1 of 4 stars; one submission).

Conditions:
Alagille syndrome due to a JAG1 point mutation. Also called: Alagille Syndrome 1; HEPATIC DUCTULAR HYPOPLASIA, SYNDROMATIC; JAG1-Related Alagille Syndrome. Identifiers: Orphanet 261619, Orphanet 52, MedGen C1956125, MONDO:0016862, OMIM 118450.

Submission:

Labcorp Genetics (formerly Invitae), Labcorp
Classification: Uncertain significance for Alagille syndrome due to a JAG1 point mutation. Last evaluated: 2025-11-01. Review status: criteria provided, single submitter. Criteria: Invitae Variant Classification Sherloc (09022015). Collection method: clinical testing. Allele origin: germline.
Comment: This sequence change falls in intron 16 of the JAG1 gene. It does not directly change the encoded amino acid sequence of the JAG1 protein. It affects a nucleotide within the consensus splice site. This variant is not present in population databases (gnomAD no frequency). This variant has not been reported in the literature in individuals affected with JAG1-related conditions. Variants that disrupt the consensus splice site are a relatively common cause of aberrant splicing (PMID: 17576681, 9536098). Algorithms developed to predict the effect of sequence changes on RNA splicing suggest that this variant may disrupt the consensus splice site. In summary, the available evidence is currently insufficient to determine the role of this variant in disease. Therefore, it has been classified as a Variant of Uncertain Significance.

Literature cited by the submitters: PubMed 17576681; PubMed 9536098.